The following is an entry in ClinVar:

NM_007194.4(CHEK2):c.1192dup (p.Ser398fs)

Gene: CHEK2 (checkpoint kinase 2; minus strand). Cytogenetic location: 22q12.1.
Variant type: Duplication.
Coding change: c.1192dup on transcript NM_007194.4 (MANE Select); coding-DNA position 1192, one base duplicated (T; older notation c.1192dupT).
Protein change: p.Ser398fs; shifts the reading frame from serine 398.
Molecular consequence: frameshift variant.
Genome position (GRCh38, 1-based): chr22:28,695,777, A duplicated on the plus strand (T on the coding strand, the reverse complement: CHEK2 is on the minus strand); the first of 3 consecutive A bases (chr22:28,695,777-28,695,779); duplicating any one gives the same sequence. VCF-style (leftmost placement, unchanged base first): chr22-28695776-G-GA. GRCh37 (hg19) VCF-style: chr22-29091764-G-GA.
Other names: c.1319dup, p.Ser441Phefs (NM_001005735.3); c.527dup, p.Ser177Phefs (NM_001257387.3); c.989dup, p.Ser331Phefs (NM_001349956.3); c.1103dup, p.Ser369Phefs (NM_145862.3); c.1192dupT (NM_007194.3); short protein forms S177fs, S369fs, S398fs, S441fs, S331fs.
Identifiers: ClinVar variation 2024509 (VCV002024509.5), dbSNP rs2517806379, ClinGen allele CA2580099500.

ClinVar aggregate classification (germline): Pathogenic. Review status: criteria provided, multiple submitters, no conflicts (2 of 4 stars). 2 submissions from 2 submitters: Pathogenic (2). Last evaluated 2026-05-26.

Conditions:
Hereditary cancer-predisposing syndrome. Also called: Neoplastic Syndromes, Hereditary; Tumor predisposition; Hereditary Cancer Syndrome; Hereditary neoplastic syndrome. Identifiers: Orphanet 140162, MedGen C0027672, MeSH D009386, MONDO:0015356.
Familial cancer of breast. Also called: Hereditary breast cancer; hereditary breast carcinoma; BREAST CANCER, FAMILIAL. Identifiers: Orphanet 227535, MedGen C0346153, MONDO:0016419, OMIM 114480. Disease mechanism: loss of function.

Submissions (2):

Ambry Genetics
Classification: Pathogenic for Hereditary cancer-predisposing syndrome. Last evaluated: 2026-05-26. Review status: criteria provided, single submitter. Criteria: Ambry Variant Classification Scheme 2023. Collection method: clinical testing. Allele origin: germline.
Comment: The c.1192dupT pathogenic mutation, located in coding exon 10 of the CHEK2 gene, results from a duplication of T at nucleotide position 1192, causing a translational frameshift with a predicted alternate stop codon (p.S398Ffs*8). This variant is considered to be rare based on population cohorts in the Genome Aggregation Database (gnomAD). This alteration is expected to result in loss of function by premature protein truncation or nonsense-mediated mRNA decay. As such, this alteration is interpreted as a disease-causing mutation.

Labcorp Genetics (formerly Invitae), Labcorp
Classification: Pathogenic for Familial cancer of breast. Last evaluated: 2021-12-02. Review status: criteria provided, single submitter. Criteria: Invitae Variant Classification Sherloc (09022015). Collection method: clinical testing. Allele origin: germline.
Comment: This variant is not present in population databases (gnomAD no frequency). For these reasons, this variant has been classified as Pathogenic. This variant has not been reported in the literature in individuals affected with CHEK2-related conditions. This sequence change creates a premature translational stop signal (p.Ser398Phefs*8) in the CHEK2 gene. It is expected to result in an absent or disrupted protein product. Loss-of-function variants in CHEK2 are known to be pathogenic (PMID: 21876083, 24713400).

Literature cited by the submitters: PubMed 21876083 (cited by Labcorp Genetics (formerly Invitae), Labcorp); PubMed 24713400 (cited by Labcorp Genetics (formerly Invitae), Labcorp).